The following is an entry in ClinVar:

NM_000051.4(ATM):c.7391_7412del (p.Cys2464fs)

Genes: ATM (ATM serine/threonine kinase; plus strand), C11orf65 (chromosome 11 open reading frame 65; minus strand). Cytogenetic location: 11q22.3.
Variant type: Deletion.
Coding change: c.7391_7412del on transcript NM_000051.4 (MANE Select); coding-DNA positions 7391 to 7412, 22 bases deleted (GTAAAGCAGTTGAAAATTATAT).
Protein change: p.Cys2464fs; shifts the reading frame from cysteine 2464.
Molecular consequence: frameshift variant. On other transcripts: intron variant (2).
Genome position (GRCh38, 1-based): chr11:108,330,297-108,330,318, GTAAAGCAGTTGAAAATTATAT deleted; deleting any 22 consecutive bases within chr11:108,330,294-108,330,318 gives the same sequence; the c. name uses the placement nearest the transcript's 3' end. VCF-style (leftmost placement, unchanged base first): chr11-108330293-TTATGTAAAGCAGTTGAAAATTA-T. GRCh37 (hg19) VCF-style: chr11-108201020-TTATGTAAAGCAGTTGAAAATTA-T.
Other names: c.7391_7412delGTAAAGCAGTTGAAAATTATAT (NM_000051.3); c.7391_7412del, p.Cys2464fs (NM_001351834.2); c.641-21244_641-21223del (NM_001330368.2); c.*38+4905_*38+4926del (NM_001351110.2); short protein forms C2464fs.
Identifiers: ClinVar variation 420765 (VCV000420765.8), dbSNP rs1064794690, ClinGen allele CA16619232.

ClinVar aggregate classification (germline): Pathogenic/Likely pathogenic. Review status: criteria provided, multiple submitters, no conflicts (2 of 4 stars). 3 submissions from 3 submitters: Pathogenic (2); Likely pathogenic (1). Last evaluated 2025-05-28.

Conditions:
Familial cancer of breast. Also called: Hereditary breast cancer; BREAST CANCER, FAMILIAL; hereditary breast carcinoma. Identifiers: Orphanet 227535, MedGen C0346153, MONDO:0016419, OMIM 114480. Disease mechanism: loss of function.
Ataxia-telangiectasia syndrome (AT). Also called: LOUIS-BAR SYNDROME; Cerebello-oculocutaneous telangiectasia; Immunodeficiency with ataxia telangiectasia; Ataxia-telangiectasia, complementation group D; AT, COMPLEMENTATION GROUP C; Ataxia-telangiectasia, complementation group E. Identifiers: Orphanet 100, MedGen C0004135, MONDO:0008840, OMIM 208900.

Submissions (3):

Labcorp Genetics (formerly Invitae), Labcorp
Classification: Pathogenic for Ataxia-telangiectasia syndrome. Last evaluated: 2025-05-28. Review status: criteria provided, single submitter. Criteria: Invitae Variant Classification Sherloc (09022015). Collection method: clinical testing. Allele origin: germline.
Comment: This sequence change creates a premature translational stop signal (p.Cys2464Serfs*5) in the ATM gene. It is expected to result in an absent or disrupted protein product. Loss-of-function variants in ATM are known to be pathogenic (PMID: 23807571, 25614872). This variant is not present in population databases (gnomAD no frequency). This premature translational stop signal has been observed in individual(s) with ATM-related conditions (PMID: 29506079). ClinVar contains an entry for this variant (Variation ID: 420765). For these reasons, this variant has been classified as Pathogenic.

Myriad Genetics, Inc.
Classification: Pathogenic for Familial cancer of breast. Last evaluated: 2024-01-31. Review status: criteria provided, single submitter. Criteria: Myriad Autosomal Dominant, Autosomal Recessive and X-Linked Classification Criteria (2023). Collection method: clinical testing. Allele origin: unknown.
Comment: This variant is considered pathogenic. This variant creates a frameshift predicted to result in premature protein truncation.

GeneDx
Classification: Likely pathogenic. Last evaluated: 2016-03-26. Review status: criteria provided, single submitter. Criteria: GeneDx Variant Classification (06012015). Collection method: clinical testing. Allele origin: germline. Affected: yes.
Comment: This deletion of 22 nucleotides in ATM is denoted c.7391_7412del22 at the cDNA level and p.Cys2464SerfsX5 (C2464SfsX5) at the protein level. The surrounding sequence is TTAT[del22]CAAC. The deletion causes a frameshift, which changes a Cysteine to a Serine at codon 2464 and creates a premature stop codon at position 5 of the new reading frame. Although this variant has not, to our knowledge, been reported in the literature, it is predicted to cause loss of normal protein function through either protein truncation or nonsense-mediated mRNA decay. Based on the currently available evidence, we consider ATM Cys2464SerfsX5 to be a likely pathogenic variant.

Literature cited by the submitters: PubMed 23807571 (cited by Labcorp Genetics (formerly Invitae), Labcorp); PubMed 25614872 (cited by Labcorp Genetics (formerly Invitae), Labcorp); PubMed 29506079 (cited by Labcorp Genetics (formerly Invitae), Labcorp).